The following is an entry in ClinVar:

NM_001199799.2(ILDR1):c.1120C>G (p.Pro374Ala)

Gene: ILDR1 (immunoglobulin like domain containing receptor 1; minus strand). Cytogenetic location: 3q13.33.
Variant type: single nucleotide variant.
Coding change: c.1120C>G on transcript NM_001199799.2 (MANE Select); coding-DNA position 1120, C replaced by G.
Protein change: p.Pro374Ala; replaces proline 374 with alanine.
Molecular consequence: missense variant.
Genome position (GRCh38, 1-based): chr3:121,993,629, G>C on the plus strand (C>G on the coding strand, the complement: ILDR1 is on the minus strand). VCF-style: chr3-121993629-G-C. GRCh37 (hg19) VCF-style: chr3-121712476-G-C.
Other names: c.853C>G, p.Pro285Ala (NM_001199800.2); c.988C>G, p.Pro330Ala (NM_175924.4); short protein forms P285A, P374A, P330A.
Identifiers: ClinVar variation 1937746 (VCV001937746.6), dbSNP rs763959563, ClinGen allele CA354143857.

ClinVar aggregate classification (germline): Uncertain significance. Review status: criteria provided, multiple submitters, no conflicts (2 of 4 stars). 2 submissions from 2 submitters: Uncertain significance (2). Last evaluated 2022-06-09.

Conditions:
Inborn genetic diseases. Identifiers: MedGen C0950123, MeSH D030342.

gnomAD v4.1: 2 of 1,614,088 alleles (0.00012%); highest among the groups gnomAD compares: Non-Finnish European, 0.00017%; no homozygotes.

Submissions (2):

Ambry Genetics
Classification: Uncertain significance for Inborn genetic diseases. Last evaluated: 2022-06-09. Review status: criteria provided, single submitter. Criteria: Ambry Variant Classification Scheme 2023. Collection method: clinical testing. Allele origin: germline.

Labcorp Genetics (formerly Invitae), Labcorp
Classification: Uncertain significance. Last evaluated: 2022-04-25. Review status: criteria provided, single submitter. Criteria: Invitae Variant Classification Sherloc (09022015). Collection method: clinical testing. Allele origin: germline.
Comment: In summary, the available evidence is currently insufficient to determine the role of this variant in disease. Therefore, it has been classified as a Variant of Uncertain Significance. Algorithms developed to predict the effect of missense changes on protein structure and function output the following: SIFT: "Tolerated"; PolyPhen-2: "Benign"; Align-GVGD: "Class C0". The alanine amino acid residue is found in multiple mammalian species, which suggests that this missense change does not adversely affect protein function. This variant has not been reported in the literature in individuals affected with ILDR1-related conditions. This variant is not present in population databases (gnomAD no frequency). This sequence change replaces proline, which is neutral and non-polar, with alanine, which is neutral and non-polar, at codon 374 of the ILDR1 protein (p.Pro374Ala).